The following is an entry in ClinVar:

NM_052947.4(ALPK2):c.6124A>G (p.Ile2042Val)

Gene: ALPK2 (alpha kinase 2; minus strand). Cytogenetic location: 18q21.31.
Variant type: single nucleotide variant.
Coding change: c.6124A>G on transcript NM_052947.4 (MANE Select); coding-DNA position 6124, A replaced by G.
Protein change: p.Ile2042Val; replaces isoleucine 2042 with valine.
Molecular consequence: missense variant.
Genome position (GRCh38, 1-based): chr18:58,504,054, T>C on the plus strand (A>G on the coding strand, the complement: ALPK2 is on the minus strand). VCF-style: chr18-58504054-T-C. GRCh37 (hg19) VCF-style: chr18-56171286-T-C.
Other names: short protein forms I2042V.
Identifiers: ClinVar variation 1751743 (VCV001751743.3), dbSNP rs2051447610, ClinGen allele CA402544191.
Genomic context (GRCh38, chr18:58,504,054, plus strand): 5'-AACATTTCTGACCAGCTTCTGATTCTCTTCTCAAGAAGTTTATTTCTTTCCCATCCCTGA[T>C]GGAATACTTCACAAATTCTCCAATCAGCTCCTCCTCCACTGTAGCATACGGGATATTGTT-3'
Protein context (NP_443179.3, residues 2032-2052): ELIGEFVKYS[Ile2042Val]RDGKEINFLR

ClinVar aggregate classification (germline): Uncertain significance (1 of 4 stars; one submission).

Allele frequency attached by ClinVar (database versions not stated): TOPMed below 0.00001.

Submission:

Ambry Genetics
Classification: Uncertain significance. Last evaluated: 2024-04-29. Review status: criteria provided, single submitter. Criteria: Ambry Variant Classification Scheme 2023. Collection method: clinical testing. Allele origin: germline.
Comment: The p.I2042V variant (also known as c.6124A>G), located in coding exon 10 of the ALPK2 gene, results from an A to G substitution at nucleotide position 6124. The isoleucine at codon 2042 is replaced by valine, an amino acid with highly similar properties. This amino acid position is conserved. In addition, this alteration is predicted to be tolerated by in silico analysis. Since supporting evidence is limited at this time, the clinical significance of this alteration remains unclear.